The following is an entry in ClinVar:

ClinVar aggregate classification (germline): Benign. Review status: criteria provided, multiple submitters, no conflicts (2 of 4 stars). 3 submissions from 3 submitters: Benign (3). Last evaluated 2018-01-13.

Conditions:
Pyruvate dehydrogenase E3-binding protein deficiency (PDHXD). Also called: E3-Binding Protein (Component X) Deficiency; LACTIC ACIDEMIA DUE TO DEFECT IN LIPOYL-CONTAINING COMPONENT X OF THE PYRUVATE DEHYDROGENASE COMPLEX; Lacticacidemia due to PDX1 deficiency; PYRUVATE HYDROGENASE E3-BINDING PROTEIN DEFICIENCY. Identifiers: Orphanet 255182, MedGen C1855553, MONDO:0009503, OMIM 245349.

Allele frequency attached by ClinVar (database versions not stated): 1000 Genomes Project 30x 0.20097; gnomAD exomes 0.11779 and 0.12462; 1000 Genomes Project 0.19269; gnomAD 0.19613 and 0.19046; ExAC 0.23064; TOPMed 0.19938.
gnomAD v4.1: 184,048 of 1,465,234 alleles (13%); highest among the groups gnomAD compares: African/African-American, 39%; 14,529 homozygotes.

Submissions (3):

Illumina Laboratory Services, Illumina
Classification: Benign for Pyruvate dehydrogenase E3-binding protein deficiency. Last evaluated: 2018-01-13. Review status: criteria provided, single submitter. Criteria: ICSL Variant Classification Criteria 13 December 2019. Collection method: clinical testing. Allele origin: germline.
Comment: This variant was observed in the ICSL laboratory as part of a predisposition screen in an ostensibly healthy population. It had not been previously curated by ICSL or reported in the Human Gene Mutation Database (HGMD: prior to June 1st, 2018), and was therefore a candidate for classification through an automated scoring system. Utilizing variant allele frequency, disease prevalence and penetrance estimates, and inheritance mode, an automated score was calculated to assess if this variant is too frequent to cause the disease. Based on the score and internal cut-off values, a variant classified as benign is not then subjected to further curation. The score for this variant resulted in a classification of benign for this disease.

GeneDx
Classification: Benign. Last evaluated: 2015-03-03. Review status: criteria provided, single submitter. Criteria: GeneDx Variant Classification Process June 2021. Collection method: clinical testing. Allele origin: germline. Affected: yes.

Breakthrough Genomics
Classification: Benign. Review status: criteria provided, single submitter. Criteria: ACMG Guidelines, 2015. Collection method: not provided. Allele origin: germline. Inheritance: Autosomal recessive inheritance. Affected: yes.

NM_003477.2(PDHX):c.-202A>G

Gene: PDHX (pyruvate dehydrogenase complex component X; plus strand). Cytogenetic location: 11p13.
Variant type: single nucleotide variant.
Coding change: c.-202A>G on transcript NM_003477.2; 202 bases upstream of the start codon, A replaced by G.
Molecular consequence: 5 prime UTR variant (on NM_001135024.2).
Genome position (GRCh38, 1-based): chr11:34,916,454, A>G. VCF-style: chr11-34916454-A-G. GRCh37 (hg19) VCF-style: chr11-34938001-A-G.
Other names: c.-53A>G (NM_001135024.2).
Identifiers: ClinVar variation 304454 (VCV000304454.10), dbSNP rs113073242, ClinGen allele CA5945668.